The following is an entry in ClinVar:

NM_004629.2(FANCG):c.1252G>A (p.Glu418Lys)

Gene: FANCG (FA complementation group G; minus strand). Cytogenetic location: 9p13.3.
Variant type: single nucleotide variant.
Coding change: c.1252G>A on transcript NM_004629.2 (MANE Select); coding-DNA position 1252, G replaced by A.
Protein change: p.Glu418Lys; replaces glutamic acid 418 with lysine.
Molecular consequence: missense variant.
Genome position (GRCh38, 1-based): chr9:35,075,646, C>T on the plus strand (G>A on the coding strand, the complement: FANCG is on the minus strand). VCF-style: chr9-35075646-C-T. GRCh37 (hg19) VCF-style: chr9-35075643-C-T.
Other names: short protein forms E418K.
Identifiers: ClinVar variation 366733 (VCV000366733.15), dbSNP rs886063896, ClinGen allele CA10633623.

ClinVar aggregate classification (germline): Uncertain significance. Review status: criteria provided, multiple submitters, no conflicts (2 of 4 stars). 4 submissions from 4 submitters: Uncertain significance (3). 1 of the submissions does not count toward it. Last evaluated 2025-11-19.

Conditions:
Fanconi anemia complementation group G. Also called: Fanconi anemia group G; FANCG-Related Fanconi Anemia. Identifiers: Orphanet 84, MedGen C3469527, MONDO:0013565, OMIM 614082.
Inborn genetic diseases. Identifiers: MedGen C0950123, MeSH D030342.
Fanconi anemia (FA). Also called: Fanconi's anemia. Identifiers: Orphanet 84, MedGen C0015625, MeSH D005199, MONDO:0019391.

Allele frequency attached by ClinVar (database versions not stated): gnomAD exomes 0.00001.
gnomAD v4.1: 3 of 1,613,314 alleles (0.00019%); highest among the groups gnomAD compares: Admixed American, 0.005%; no homozygotes.

Submissions (4):

Ambry Genetics
Classification: Uncertain significance for Inborn genetic diseases. Last evaluated: 2025-11-19. Review status: criteria provided, single submitter. Criteria: Ambry Variant Classification Scheme 2023. Collection method: clinical testing. Allele origin: germline.
Comment: The p.E418K variant (also known as c.1252G>A), located in coding exon 10 of the FANCG gene, results from a G to A substitution at nucleotide position 1252. The glutamic acid at codon 418 is replaced by lysine, an amino acid with similar properties. This amino acid position is conserved. In addition, this alteration is predicted to be tolerated by in silico analysis. Based on the available evidence, the clinical significance of this variant remains unclear.

Labcorp Genetics (formerly Invitae), Labcorp
Classification: Uncertain significance for Fanconi anemia. Last evaluated: 2022-03-22. Review status: criteria provided, single submitter. Criteria: Invitae Variant Classification Sherloc (09022015). Collection method: clinical testing. Allele origin: germline.
Comment: This sequence change replaces glutamic acid, which is acidic and polar, with lysine, which is basic and polar, at codon 418 of the FANCG protein (p.Glu418Lys). This variant is present in population databases (no rsID available, gnomAD 0.009%). This variant has not been reported in the literature in individuals affected with FANCG-related conditions. ClinVar contains an entry for this variant (Variation ID: 366733). Algorithms developed to predict the effect of missense changes on protein structure and function are either unavailable or do not agree on the potential impact of this missense change (SIFT: "Tolerated"; PolyPhen-2: "Possibly Damaging"; Align-GVGD: "Class C0"). In summary, the available evidence is currently insufficient to determine the role of this variant in disease. Therefore, it has been classified as a Variant of Uncertain Significance.

Illumina Laboratory Services, Illumina
Classification: Uncertain significance for Fanconi anemia complementation group G. Last evaluated: 2018-01-13. Review status: criteria provided, single submitter. Criteria: ICSL Variant Classification Criteria 13 December 2019. Collection method: clinical testing. Allele origin: germline.

Natera, Inc.
Classification: Uncertain significance for Fanconi anemia group G. Last evaluated: 2019-10-28. Review status: no assertion criteria provided. Collection method: clinical testing. Allele origin: germline. Not counted in ClinVar's aggregate classification.